The following is an entry in ClinVar:

NM_001100.4(ACTA1):c.591G>C (p.Glu197Asp)

Gene: ACTA1 (actin alpha 1, skeletal muscle; minus strand). Cytogenetic location: 1q42.13.
Variant type: single nucleotide variant.
Coding change: c.591G>C on transcript NM_001100.4 (MANE Select); coding-DNA position 591, G replaced by C.
Protein change: p.Glu197Asp; replaces glutamic acid 197 with aspartic acid.
Molecular consequence: missense variant.
Genome position (GRCh38, 1-based): chr1:229,432,295, C>G on the plus strand (G>C on the coding strand, the complement: ACTA1 is on the minus strand). VCF-style: chr1-229432295-C-G. GRCh37 (hg19) VCF-style: chr1-229568042-C-G.
Other names: short protein forms E197D.
Identifiers: ClinVar variation 1690664 (VCV001690664.2), dbSNP rs869312739, ClinGen allele CA345147944.

ClinVar aggregate classification (germline): Uncertain significance (1 of 4 stars; one submission).

Submission:

Laboratorio de Genetica e Diagnostico Molecular, Hospital Israelita Albert Einstein
Classification: Uncertain significance. Last evaluated: 2019-07-25. Review status: criteria provided, single submitter. Criteria: ACMG Guidelines, 2015. Collection method: clinical testing. Allele origin: germline. Affected: yes.
Comment: ACMG classification criteria: PM2, PP2, PP3